The following is an entry in ClinVar:

NM_172364.5(CACNA2D4):c.3310-1G>A

Gene: CACNA2D4 (calcium voltage-gated channel auxiliary subunit alpha2delta 4; minus strand). Cytogenetic location: 12p13.33.
Variant type: single nucleotide variant.
Coding change: c.3310-1G>A on transcript NM_172364.5 (MANE Select); the canonical splice acceptor site of the intron before coding-DNA position 3310, G replaced by A.
Molecular consequence: splice acceptor variant.
Genome position (GRCh38, 1-based): chr12:1,793,760, C>T on the plus strand (G>A on the coding strand, the complement: CACNA2D4 is on the minus strand). VCF-style: chr12-1793760-C-T. GRCh37 (hg19) VCF-style: chr12-1902926-C-T.
Identifiers: ClinVar variation 1376207 (VCV001376207.6), dbSNP rs769856725, ClinGen allele CA6385952.
Genomic context (GRCh38, chr12:1,793,760, plus strand): 5'-CAGGAGTAGGGGCGGCGAGGCTGAGGTGTCCGAGGCGCCGCCGCAGTCCTGGGCATTCTC[C>T]TGCGAACGCAGAGCAGAGGTGACAGCGCGGCGCTCAGAGGAGGACCCTCAAAAAGGGAGG-3'

ClinVar aggregate classification (germline): Uncertain significance (1 of 4 stars; one submission).

Allele frequency attached by ClinVar (database versions not stated): ExAC 0.00001; gnomAD 0.00001; gnomAD exomes 0.00001.
gnomAD v4.1: 4 of 1,612,438 alleles (0.00025%); highest among the groups gnomAD compares: East Asian, 0.0067%; no homozygotes.

Submission:

Labcorp Genetics (formerly Invitae), Labcorp
Classification: Uncertain significance. Last evaluated: 2021-08-19. Review status: criteria provided, single submitter. Criteria: Invitae Variant Classification Sherloc (09022015). Collection method: clinical testing. Allele origin: germline.
Comment: In summary, the available evidence is currently insufficient to determine the role of this variant in disease. Therefore, it has been classified as a Variant of Uncertain Significance. Variants that disrupt the consensus splice site are a relatively common cause of aberrant splicing (PMID: 17576681, 9536098). Algorithms developed to predict the effect of sequence changes on RNA splicing suggest that this variant may disrupt the consensus splice site. This variant has not been reported in the literature in individuals affected with CACNA2D4-related conditions. This variant is present in population databases (rs769856725, ExAC 0.01%). This sequence change falls in intron 37 of the CACNA2D4 gene. It does not directly change the encoded amino acid sequence of the CACNA2D4 protein. It affects a nucleotide within the consensus splice site of the intron.

Literature cited by the submitters: PubMed 17576681; PubMed 9536098.